The following is an entry in ClinVar:

NM_002691.4(POLD1):c.3171G>T (p.Gln1057His)

Gene: POLD1 (DNA polymerase delta 1, catalytic subunit; plus strand). Cytogenetic location: 19q13.33.
Variant type: single nucleotide variant.
Coding change: c.3171G>T on transcript NM_002691.4 (MANE Select); coding-DNA position 3171, G replaced by T.
Protein change: p.Gln1057His; replaces glutamine 1057 with histidine.
Molecular consequence: missense variant. On other transcripts: non-coding transcript variant (1).
Genome position (GRCh38, 1-based): chr19:50,417,222, G>T. VCF-style: chr19-50417222-G-T. GRCh37 (hg19) VCF-style: chr19-50920479-G-T.
Other names: c.3171G>T, p.Gln1057His (NM_001256849.1); c.3249G>T, p.Gln1083His (NM_001308632.1); c.3171G>T (NM_002691.2); short protein forms Q1083H, Q1057H.
Identifiers: ClinVar variation 408094 (VCV000408094.10), dbSNP rs1060501848, ClinGen allele CA16616202.
Genomic context (GRCh38, chr19:50,417,222, plus strand): 5'-CCGTCCCCAGGTATCCCATCTGAATGCCCTGGAGGAGCGCTTCTCGCGCCTCTGGACGCA[G>T]TGCCAGCGCTGCCAGGGCAGCCTGCACGAGGACGTCATCTGCACCAGGTGTGTGCCATGT-3'
Protein context (NP_002682.2, residues 1047-1067): LEERFSRLWT[Gln1057His]CQRCQGSLHE

ClinVar aggregate classification (germline): Uncertain significance. Review status: criteria provided, multiple submitters, no conflicts (2 of 4 stars). 2 submissions from 2 submitters: Uncertain significance (2). Last evaluated 2025-06-01.

Conditions:
POLD1-related polyposis and colorectal cancer syndrome (CRCS10). Also called: Colorectal cancer, susceptibility to, 10; Colorectal cancer 10; COLORECTAL CANCER, SUSCEPTIBILITY TO, ON CHROMOSOME 19q. Identifiers: Orphanet 220460, MedGen C2675481, MONDO:0012953, OMIM 612591.
Hereditary cancer-predisposing syndrome. Also called: Neoplastic Syndromes, Hereditary; Hereditary neoplastic syndrome; Hereditary Cancer Syndrome; Tumor predisposition. Identifiers: Orphanet 140162, MedGen C0027672, MeSH D009386, MONDO:0015356.

Submissions (2):

Labcorp Genetics (formerly Invitae), Labcorp
Classification: Uncertain significance for POLD1-related polyposis and colorectal cancer syndrome. Last evaluated: 2025-06-01. Review status: criteria provided, single submitter. Criteria: Invitae Variant Classification Sherloc (09022015). Collection method: clinical testing. Allele origin: germline.
Comment: This sequence change replaces glutamine, which is neutral and polar, with histidine, which is basic and polar, at codon 1057 of the POLD1 protein (p.Gln1057His). This variant is not present in population databases (gnomAD no frequency). This variant has not been reported in the literature in individuals affected with POLD1-related conditions. ClinVar contains an entry for this variant (Variation ID: 408094). Invitae Evidence Modeling of protein sequence and biophysical properties (such as structural, functional, and spatial information, amino acid conservation, physicochemical variation, residue mobility, and thermodynamic stability) indicates that this missense variant is not expected to disrupt POLD1 protein function with a negative predictive value of 80%. In summary, the available evidence is currently insufficient to determine the role of this variant in disease. Therefore, it has been classified as a Variant of Uncertain Significance.

Ambry Genetics
Classification: Uncertain significance for Hereditary cancer-predisposing syndrome. Last evaluated: 2023-09-09. Review status: criteria provided, single submitter. Criteria: Ambry Variant Classification Scheme 2023. Collection method: clinical testing. Allele origin: germline.
Comment: The p.Q1057H variant (also known as c.3171G>T), located in coding exon 25 of the POLD1 gene, results from a G to T substitution at nucleotide position 3171. The glutamine at codon 1057 is replaced by histidine, an amino acid with highly similar properties. This amino acid position is conserved. In addition, this alteration is predicted to be tolerated by in silico analysis. Since supporting evidence is limited at this time, the clinical significance of this alteration remains unclear.